The following is an entry in ClinVar:

NM_000400.4(ERCC2):c.680G>T (p.Arg227Leu)

Gene: ERCC2 (ERCC excision repair 2, TFIIH core complex helicase subunit; minus strand). Cytogenetic location: 19q13.32.
Variant type: single nucleotide variant.
Coding change: c.680G>T on transcript NM_000400.4 (MANE Select); coding-DNA position 680, G replaced by T.
Protein change: p.Arg227Leu; replaces arginine 227 with leucine.
Molecular consequence: missense variant.
Genome position (GRCh38, 1-based): chr19:45,364,462, C>A on the plus strand (G>T on the coding strand, the complement: ERCC2 is on the minus strand). VCF-style: chr19-45364462-C-A. GRCh37 (hg19) VCF-style: chr19-45867720-C-A.
Other names: c.608G>T, p.Arg203Leu (NM_001130867.2); short protein forms R203L, R227L.
Identifiers: ClinVar variation 1755572 (VCV001755572.2), dbSNP rs150708456, ClinGen allele CA406374347.

ClinVar aggregate classification (germline): Uncertain significance (1 of 4 stars; one submission).

Conditions:
Inborn genetic diseases. Identifiers: MedGen C0950123, MeSH D030342.

gnomAD v4.1: 4 of 1,613,990 alleles (0.00025%); highest among the groups gnomAD compares: Non-Finnish European, 0.00034%; no homozygotes.

Submission:

Ambry Genetics
Classification: Uncertain significance for Inborn genetic diseases. Last evaluated: 2024-03-06. Review status: criteria provided, single submitter. Criteria: Ambry Variant Classification Scheme 2023. Collection method: clinical testing. Allele origin: germline.
Comment: The p.R227L variant (also known as c.680G>T), located in coding exon 8 of the ERCC2 gene, results from a G to T substitution at nucleotide position 680. The arginine at codon 227 is replaced by leucine, an amino acid with dissimilar properties. This amino acid position is conserved. In addition, the in silico prediction for this alteration is inconclusive. Since supporting evidence is limited at this time, the clinical significance of this alteration remains unclear.